The following is an entry in ClinVar:

NM_139058.3(ARX):c.969dup (p.Leu324fs)

Gene: ARX (aristaless related homeobox; minus strand). Cytogenetic location: Xp21.3.
Variant type: Duplication.
Coding change: c.969dup on transcript NM_139058.3 (MANE Select); coding-DNA position 969, one base duplicated (G; older notation c.969dupG).
Protein change: p.Leu324fs; shifts the reading frame from leucine 324.
Molecular consequence: frameshift variant.
Genome position (GRCh38, 1-based): chrX:25,013,026, C duplicated on the plus strand (G on the coding strand, the reverse complement: ARX is on the minus strand). VCF-style (leftmost placement, unchanged base first): chrX-25013025-G-GC. GRCh37 (hg19) VCF-style: chrX-25031142-G-GC.
Other names: short protein forms L324fs.
Identifiers: ClinVar variation 4796607 (VCV004796607.1).

ClinVar aggregate classification (germline): Pathogenic (1 of 4 stars; one submission).

Conditions:
Developmental and epileptic encephalopathy, 1 (DEE1). Also called: X-linked infantile spasms; West's syndrome; Tonic spasms with clustering, arrest of psychomotor development and hypsarrhythmia on EEG; X-Linked Infantile Spasm Syndrome; OHTAHARA SYNDROME, X-LINKED; INFANTILE SPASM SYNDROME, X-LINKED 1. Identifiers: MedGen C3463992, MONDO:0010632, OMIM 308350. Disease mechanism: loss of function.
Partington syndrome (PRTS). Also called: MENTAL RETARDATION, X-LINKED 36; MENTAL RETARDATION, X-LINKED, SYNDROMIC 1; MENTAL RETARDATION, X-LINKED, WITH DYSTONIC MOVEMENTS, ATAXIA, AND SEIZURES; Mental retardation-dystonic movements-ataxia-seizures syndrome. Identifiers: Orphanet 94083, MedGen C0796250, MONDO:0010654, OMIM 309510.
X-linked lissencephaly with abnormal genitalia. Identifiers: Orphanet 452, MedGen C1846171, MONDO:0010268, OMIM 300215.
Corpus callosum agenesis-abnormal genitalia syndrome. Also called: PROUD SYNDROME; ACC WITH ABNORMAL GENITALIA. Identifiers: Orphanet 2508, MedGen C0796124, MONDO:0010224, OMIM 300004.
Intellectual disability, X-linked, with or without seizures, ARX-related. Also called: Mental retardation, X-linked 52; INTELLECTUAL DEVELOPMENTAL DISORDER, X-LINKED 29; MENTAL RETARDATION, X-LINKED 29; MENTAL RETARDATION, X-LINKED 32; MENTAL RETARDATION, X-LINKED 33; MENTAL RETARDATION, X-LINKED 38. Identifiers: Orphanet 777, MedGen C0796244, MONDO:0010317, OMIM 300419.

Submission:

Juno Genomics, Hangzhou Juno Genomics, Inc
Classification: Pathogenic for Developmental and epileptic encephalopathy, 1; X-linked lissencephaly with abnormal genitalia; Intellectual disability, X-linked, with or without seizures, ARX-related; Partington syndrome; Corpus callosum agenesis-abnormal genitalia syndrome. Review status: criteria provided, single submitter. Criteria: ACMG Guidelines, 2015. Collection method: clinical testing. Allele origin: germline. Affected: yes.
Comment: Absent from controls (or at extremely low frequency if recessive) in Genome Aggregation Database, Exome Sequencing Project, 1000 Genomes Project, or Exome Aggregation Consortium.;Null variant in a gene where loss of function (LOF) is a known mechanism of disease.;Patient's phenotype or family history is highly specific for a disease with a single genetic etiology.